The following is an entry in ClinVar:

ClinVar aggregate classification (germline): Uncertain significance. Review status: criteria provided, multiple submitters, no conflicts (2 of 4 stars). 2 submissions from 2 submitters: Uncertain significance (2). Last evaluated 2023-06-12.

Conditions:
3-methylglutaconic aciduria type 5. Also called: CARDIOMYOPATHY, DILATED, WITH ATAXIA; 3 alpha methylglutaconic aciduria type V; MGA 5; MGA, TYPE V. Identifiers: Orphanet 66634, MedGen C1857776, MONDO:0012435, OMIM 610198.

Allele frequency attached by ClinVar (database versions not stated): gnomAD 0.00001.

Submissions (2):

Blueprint Genetics
Classification: Uncertain significance. Last evaluated: 2023-06-12. Review status: criteria provided, single submitter. Criteria: ACMG Guidelines, 2015. Collection method: clinical testing. Allele origin: germline.

Labcorp Genetics (formerly Invitae), Labcorp
Classification: Uncertain significance for 3-methylglutaconic aciduria type 5. Last evaluated: 2021-06-14. Review status: criteria provided, single submitter. Criteria: Invitae Variant Classification Sherloc (09022015). Collection method: clinical testing. Allele origin: germline.
Comment: This sequence change replaces proline with histidine at codon 56 of the DNAJC19 protein (p.Pro56His). The proline residue is highly conserved and there is a moderate physicochemical difference between proline and histidine. This variant is not present in population databases (ExAC no frequency). This variant has not been reported in the literature in individuals with DNAJC19-related conditions. Algorithms developed to predict the effect of missense changes on protein structure and function are either unavailable or do not agree on the potential impact of this missense change (SIFT: "Deleterious"; PolyPhen-2: "Possibly Damaging"; Align-GVGD: "Class C0"). In summary, the available evidence is currently insufficient to determine the role of this variant in disease. Therefore, it has been classified as a Variant of Uncertain Significance.

NM_145261.4(DNAJC19):c.167C>A (p.Pro56His)

Gene: DNAJC19 (DnaJ heat shock protein family (Hsp40) member C19; minus strand). Cytogenetic location: 3q26.33.
Variant type: single nucleotide variant.
Coding change: c.167C>A on transcript NM_145261.4 (MANE Select); coding-DNA position 167, C replaced by A.
Protein change: p.Pro56His; replaces proline 56 with histidine.
Molecular consequence: missense variant. On other transcripts: non-coding transcript variant (1).
Genome position (GRCh38, 1-based): chr3:180,986,985, G>T on the plus strand (C>A on the coding strand, the complement: DNAJC19 is on the minus strand). VCF-style: chr3-180986985-G-T. GRCh37 (hg19) VCF-style: chr3-180704773-G-T.
Other names: c.92C>A, p.Pro31His (NM_001190233.2); short protein forms P31H, P56H.
Identifiers: ClinVar variation 1400798 (VCV001400798.9), dbSNP rs1714943164, ClinGen allele CA355472490.